The following is an entry in ClinVar:

ClinVar aggregate classification (germline): Likely pathogenic (3 of 4 stars; one submission).

Conditions:
Bernard Soulier syndrome (BSS). Also called: GLYCOPROTEIN Ib, PLATELET, DEFICIENCY OF; PLATELET GLYCOPROTEIN Ib DEFICIENCY; VON WILLEBRAND FACTOR RECEPTOR DEFICIENCY; Giant platelet syndrome; Hemorrhagiparous thrombocytic dystrophy; Giant platelet disease. Identifiers: Orphanet 274, MedGen C0005129, MeSH D001606, MONDO:0009276, OMIM 231200.

gnomAD v4.1: 1 of 1,613,578 alleles (0.000062%); highest among the groups gnomAD compares: African/African-American, 0.0013%; no homozygotes.

Submission:

ClinGen Platelet Disorders Variant Curation Expert Panel, ClinGen
Classification: Likely pathogenic for Bernard Soulier syndrome. Last evaluated: 2025-12-16. Review status: reviewed by expert panel. Criteria: ClinGen Platelet ACMG Specifications GP1BA V1.0.0. Collection method: curation. Allele origin: germline. Inheritance: Autosomal recessive inheritance.
Comment: The c.1457C>A (p.Ser486Ter) variant in GP1BA is a nonsense variant that may cause loss of function of the protein, however it is predicted to escape nonsense mediated decay and remove >10% of the protein (PVS1_Strong). At least one patient (Patient 1 in PMID: 7949089) with this variant had aggregation absent for ristocetin and present for all other agonists and less than 10% expression of GPIba measured by flow cytometry, which is highly specific for Bernard-Soulier syndrome. Additionally, the patient had excessive mucocutaneous bleeding and macrothrombocytopenia which are consistent with Bernard-Soulier syndrome (PP4). The highest MAF is 0.00001335 (based on 1/74904 alleles) in the African/African American population, which is lower than the ClinGen PD VCEP threshold (<0.0001114; PM2_Supporting). In summary, this variant meets the criteria to be classified as Likely Pathogenic for autosomal recessive Bernard-Soulier syndrome based on the ACMG/AMP criteria applied, as specified by the ClinGen PD VCEP: PVS1_Strong, PP4, PM3_Supporting and PM2_Supporting (VCEP specifications version 1).

NM_000173.7(GP1BA):c.1457C>A (p.Ser486Ter)

Gene: GP1BA (glycoprotein Ib platelet subunit alpha; plus strand). Cytogenetic location: 17p13.2.
Variant type: single nucleotide variant.
Coding change: c.1457C>A on transcript NM_000173.7 (MANE Select); coding-DNA position 1457, C replaced by A.
Protein change: p.Ser486Ter; replaces serine 486 with a stop codon.
Molecular consequence: nonsense.
Genome position (GRCh38, 1-based): chr17:4,934,061, C>A. VCF-style: chr17-4934061-C-A. GRCh37 (hg19) VCF-style: chr17-4837356-C-A.
Other names: NM_000173.7:c.1457C>A; short protein forms S486*.
Identifiers: ClinVar variation 4539001 (VCV004539001.1).